The following continues an entry in ClinVar:

NM_000432.4(MYL2):c.170G>A (p.Gly57Glu)

Gene: MYL2. ClinVar aggregate classification (germline): Uncertain significance. Uncertain significance (1).

Submissions 8 to 12 of 12:

All of Us Research Program, National Institutes of Health
Classification: Uncertain significance for Hypertrophic cardiomyopathy. Last evaluated: 2024-03-05. Review status: criteria provided, single submitter. Criteria: ACMG Guidelines, 2015. Collection method: clinical testing. Allele origin: germline. Inheritance: Autosomal dominant inheritance. Observed: 2 variant alleles, 2 heterozygotes. Not counted in ClinVar's aggregate classification.
Comment: This missense variant replaces glycine with glutamic acid at codon 57 of the MYL2 protein. Computational prediction suggests that this variant may have deleterious impact on protein structure and function (internally defined REVEL score threshold >= 0.7, PMID: 27666373). To our knowledge, functional studies have not been reported for this variant. This variant has been reported in an individual affected with restrictive cardiomyopathy (PMID: 21823217). This patient was heterozygous for this variant and homozygous for a p.Glu143Leu variant in the MYL3 gene. The patient's unaffected mother was double heterozygous for both variants. This variant has also been reported in two individuals affected with hypertrophic cardiomyopathy, both of whom also carried the MYL3 p.Glu134Ala variant (PMID: 25611685, 27532257). This variant has been identified in 1/251442 chromosomes in the general population by the Genome Aggregation Database (gnomAD). The available evidence is insufficient to determine the role of this variant in disease conclusively. Therefore, this variant is classified as a Variant of Uncertain Significance.

This study involves interpretation of variants in research participants for the purpose of population health screening. Participant phenotype was not available at the time of variant classification. Additional details can be found in publication PMID: 35346344, PMCID: PMC8962531

Clinical Genomics Laboratory, Stanford Medicine
Classification: Uncertain significance for Hypertrophic cardiomyopathy 10. Last evaluated: 2021-08-14. Review status: criteria provided, single submitter. Criteria: ACMG Guidelines, 2015. Collection method: clinical testing. Allele origin: germline. Affected: yes. Observed: 1 variant allele, 1 heterozygote. Not counted in ClinVar's aggregate classification.
Comment: The p.Gly57Glu variant in the MYL2 gene has been previously reported in one individual with restrictive cardiomyopathy who was also found to be homozygous for a variant in MYL3 (p.Glu143Lys). This individual’s unaffected mother was heterozygous for the p.Gly57Glu variant as well as heterozygous for the p.Glu143Lys variant in MYL3 (Caleshu et al., 2011). In one of these individuals, the p.Glu134Ala variant was confirmed to be in trans (Alfares et al., 2015). This variant has been identified in 1/251,442 chromosomes by the Genome Aggregation Database. Although this variant has been seen in the general population, its frequency is low enough to be consistent with the prevalence of hypertrophic cardiomyopathy. The glycine at position 57 is evolutionarily conserved. Computational tools predict that the p.Gly57Glu variant is deleterious; however, the accuracy of in silico algorithms is limited. These data were assessed using the ACMG/AMP variant interpretation guidelines. In summary, the significance of the p.Gly57Glu variant is uncertain. Additional information is needed to resolve the significance of this variant. [ACMG evidence codes used: PM2; PP3]

Revvity Omics, Revvity
Classification: Uncertain significance. Last evaluated: 2020-03-12. Review status: criteria provided, single submitter. Criteria: ACMG Guidelines, 2015. Collection method: clinical testing. Allele origin: germline. Not counted in ClinVar's aggregate classification.

Laboratory for Molecular Medicine, Mass General Brigham Personalized Medicine
Classification: Uncertain significance. Last evaluated: 2018-07-16. Review status: criteria provided, single submitter. Criteria: LMM Criteria. Collection method: clinical testing. Allele origin: germline. Observed: 3 variant alleles. Not counted in ClinVar's aggregate classification.
Comment: Variant classified as Uncertain Significance - Favor Pathogenic. The p.Gly57Glu variant in MYL2 has been reported in one individual with clinical features of RC M, who also carried the homozygous p.Glu134Lys missense variant in MYL3 and whos e unaffected mother was heterozygous for both variants (Caleshu 2011). The p.Gly 57Glu variant in MYL2 has also been identified in 2 infants with HCM, both of wh om also carried another variant of uncertain significance (p.Glu134Ala) in MYL2 (LMM data). The p.Gly57Glu variant has b een identified in 1/33580 of Latino chromosomes by the Genome Aggregation Databa se (gnomAD). Computational prediction tools an d conservation analysis suggest that the p.Gly57Glu variant may impact the prote in, though this information is not predictive enough to determine pathogenicity. In addition, this variant is located in the first base of the exon, which is pa rt of the 3? splice region; however, computational splicing prediction tools do not suggest an impact to splicing. In summary, while there is some suspicion for a pathogenic role, the clinical significance of the p.Gly57Glu variant is uncer tain. ACMG/AMP Criteria applied: PM2, PP3, PS4_Supporting.

Leiden Muscular Dystrophy (MYL2)
No classification provided. Review status: no classification provided. Collection method: not provided. Allele origin: germline. Not counted in ClinVar's aggregate classification.

Literature cited by the submitters: PubMed 21823217 (cited by 7 submitters); PubMed 25611685 (cited by 6 submitters); PubMed 27532257 (cited by 5 submitters); PubMed 37652022 (cited by Labcorp Genetics (formerly Invitae), Labcorp and Women's Health and Genetics/Laboratory Corporation of America, LabCorp); PubMed 35265679 (cited by Women's Health and Genetics/Laboratory Corporation of America, LabCorp).